The following is an entry in ClinVar:

NM_000525.4(KCNJ11):c.79C>T (p.Arg27Cys)

Gene: KCNJ11 (potassium inwardly rectifying channel subfamily J member 11; minus strand). Cytogenetic location: 11p15.1.
Variant type: single nucleotide variant.
Coding change: c.79C>T on transcript NM_000525.4 (MANE Select); coding-DNA position 79, C replaced by T.
Protein change: p.Arg27Cys; replaces arginine 27 with cysteine.
Molecular consequence: missense variant. On other transcripts: intron variant (3).
Genome position (GRCh38, 1-based): chr11:17,388,013, G>A on the plus strand (C>T on the coding strand, the complement: KCNJ11 is on the minus strand). VCF-style: chr11-17388013-G-A. GRCh37 (hg19) VCF-style: chr11-17409560-G-A.
Other names: c.-16-167C>T (NM_001166290.2, NM_001377297.1); c.-17+5C>T (NM_001377296.1); short protein forms R27C.
Identifiers: ClinVar variation 211226 (VCV000211226.14), dbSNP rs752507753, ClinGen allele CA277131.
Genomic context (GRCh38, chr11:17,388,013, plus strand): 5'-TGTGGGCCACGTTGCAGTTGCCTTTCTTGGACACAAAGCGGGCCCTCCGCTGGCGGGCAC[G>A]GTACCTGGGCTTGGCAGGGTCCTCTGCCAGGCGTGTCAGCACGTATTCCTCGGGGATGAT-3'
Protein context (NP_000516.3, residues 17-37): LAEDPAKPRY[Arg27Cys]ARQRRARFVS

ClinVar aggregate classification (germline): Uncertain significance. Review status: criteria provided, multiple submitters, no conflicts (2 of 4 stars). 6 submissions from 6 submitters: Uncertain significance (3). 3 of the submissions do not count toward it. Last evaluated 2025-07-08.

Conditions:
Diabetes mellitus, transient neonatal, 3 (TNDM3). Identifiers: Orphanet 99886, MedGen C1864623, MONDO:0012522, OMIM 610582. Disease mechanism: loss of function.
Hyperinsulinemic hypoglycemia, familial, 2. Also called: HYPERINSULINEMIC HYPOGLYCEMIA, PERSISTENT; HYPERINSULINISM, NEONATAL. Identifiers: Orphanet 276580, Orphanet 276603, MedGen C2931833, MONDO:0011153, OMIM 601820. Disease mechanism: loss of function.
Permanent neonatal diabetes mellitus 1. Also called: GCK-Related Permanent Neonatal Diabetes Mellitus. Identifiers: MedGen C5393570, MONDO:0100165, OMIM 606176.
Permanent neonatal diabetes mellitus (PNDM). Identifiers: Orphanet 99885, MedGen C1833104, MONDO:0100164, MONDO:0011643. Disease mechanism: gain of function.
Maturity-onset diabetes of the young (MODY). Also called: Maturity onset diabetes mellitus in young. Identifiers: Orphanet 552, MedGen C0342276, MONDO:0018911, HP:0004904.

Allele frequency attached by ClinVar (database versions not stated): ExAC 0.00001; gnomAD 0.00001 and 0.00002; gnomAD exomes 0.00001; TOPMed 0.00002.

Submissions (6):

Labcorp Genetics (formerly Invitae), Labcorp
Classification: Uncertain significance. Last evaluated: 2025-07-08. Review status: criteria provided, single submitter. Criteria: Invitae Variant Classification Sherloc (09022015). Collection method: clinical testing. Allele origin: germline.
Comment: This sequence change replaces arginine, which is basic and polar, with cysteine, which is neutral and slightly polar, at codon 27 of the KCNJ11 protein (p.Arg27Cys). This variant is present in population databases (rs752507753, gnomAD 0.007%). This missense change has been observed in individual(s) with hyperinsulinism (PMID: 32027066). ClinVar contains an entry for this variant (Variation ID: 211226). Invitae Evidence Modeling of protein sequence and biophysical properties (such as structural, functional, and spatial information, amino acid conservation, physicochemical variation, residue mobility, and thermodynamic stability) has been performed for this missense variant. However, the output from this modeling did not meet the statistical confidence thresholds required to predict the impact of this variant on KCNJ11 protein function. In summary, the available evidence is currently insufficient to determine the role of this variant in disease. Therefore, it has been classified as a Variant of Uncertain Significance.

GeneDx
Classification: Uncertain significance. Last evaluated: 2019-08-12. Review status: criteria provided, single submitter. Criteria: GeneDx Variant Classification Process June 2021. Collection method: clinical testing. Allele origin: germline. Affected: yes.
Comment: In silico analysis, which includes protein predictors and evolutionary conservation, supports a deleterious effect; Has not been previously published as pathogenic or benign to our knowledge

Clinical Genomics, Uppaluri K&H Personalized Medicine Clinic
Classification: Uncertain significance for Maturity-onset diabetes of the young. Review status: criteria provided, single submitter. Criteria: K&H Uppaluri Personalized Medicine Clinic Variant Classification & Assertion Criteria. Collection method: research. Allele origin: somatic. Inheritance: Autosomal dominant inheritance.
Comment: Mutations in KCNJ11 gene can cause decreased production and secretion of insulin. This can lead to MODY which may be responsive to oral sulfonylureas. It is also associated with Neonatal Diabetes. However, no sufficient evidence is found to ascertain the role of rs752507753 variant in MODY yet.

Natera, Inc.
Classification: Uncertain significance for Permanent neonatal diabetes mellitus. Last evaluated: 2020-04-13. Review status: no assertion criteria provided. Collection method: clinical testing. Allele origin: germline. Not counted in ClinVar's aggregate classification.

Counsyl
Classification: Uncertain significance for Hyperinsulinemic hypoglycemia, familial, 2; Permanent neonatal diabetes mellitus 1; Diabetes mellitus, transient neonatal, 3. Last evaluated: 2017-05-26. Review status: no assertion criteria provided. Collection method: clinical testing. Allele origin: unknown. Not counted in ClinVar's aggregate classification.

Genetic Services Laboratory, University of Chicago
Classification: Likely pathogenic for Hyperinsulinemic hypoglycemia, familial, 2. Last evaluated: 2015-02-24. Review status: flagged submission. Criteria: ACMG Guidelines, 2015. Collection method: clinical testing. Allele origin: germline. Affected: yes. Not counted in ClinVar's aggregate classification.
ClinVar note: Reason: Outlier claim with insufficient supporting evidence

Literature cited by the submitters: PubMed 32027066 (cited by Labcorp Genetics (formerly Invitae), Labcorp); PubMed 26448950 (cited by Clinical Genomics, Uppaluri K&H Personalized Medicine Clinic); PubMed 15580558 (cited by Clinical Genomics, Uppaluri K&H Personalized Medicine Clinic); PubMed 15718250 (cited by Clinical Genomics, Uppaluri K&H Personalized Medicine Clinic); PubMed 27118464 (cited by Clinical Genomics, Uppaluri K&H Personalized Medicine Clinic).